The following is an entry in ClinVar:

NM_004656.4(BAP1):c.895A>C (p.Asn299His)

Gene: BAP1 (BRCA1 associated deubiquitinase 1; minus strand). Cytogenetic location: 3p21.1.
Variant type: single nucleotide variant.
Coding change: c.895A>C on transcript NM_004656.4 (MANE Select); coding-DNA position 895, A replaced by C.
Protein change: p.Asn299His; replaces asparagine 299 with histidine.
Molecular consequence: missense variant.
Genome position (GRCh38, 1-based): chr3:52,405,801, T>G on the plus strand (A>C on the coding strand, the complement: BAP1 is on the minus strand). VCF-style: chr3-52405801-T-G. GRCh37 (hg19) VCF-style: chr3-52439817-T-G.
Other names: c.841A>C, p.Asn281His (NM_001410772.1); short protein forms N281H, N299H.
Identifiers: ClinVar variation 1765245 (VCV001765245.2), dbSNP rs1411545493, ClinGen allele CA353106618.
Genomic context (GRCh38, chr3:52,405,801, plus strand): 5'-AAGAGGTCCCAAACCCCCCAGTACCTGTGTGGTTGCCCTCAGAGGCTGCAGGGGCCCTGT[T>G]TGCTTCCAGCACCAGCGGGGACTTGTTGCTGGCTGACTTGGACTCCTCAGGCAGCTGTGA-3'
Protein context (NP_004647.1, residues 289-309): SNKSPLVLEA[Asn299His]RAPAASEGNH

ClinVar aggregate classification (germline): Uncertain significance (1 of 4 stars; one submission).

Conditions:
Hereditary cancer-predisposing syndrome. Also called: Neoplastic Syndromes, Hereditary; Tumor predisposition; Hereditary Cancer Syndrome; Hereditary neoplastic syndrome. Identifiers: Orphanet 140162, MedGen C0027672, MeSH D009386, MONDO:0015356.

Submission:

Ambry Genetics
Classification: Uncertain significance for Hereditary cancer-predisposing syndrome. Last evaluated: 2022-07-27. Review status: criteria provided, single submitter. Criteria: Ambry Variant Classification Scheme 2023. Collection method: clinical testing. Allele origin: germline.
Comment: The p.N299H variant (also known as c.895A>C), located in coding exon 10 of the BAP1 gene, results from an A to C substitution at nucleotide position 895. The asparagine at codon 299 is replaced by histidine, an amino acid with similar properties. This amino acid position is conserved. In addition, this alteration is predicted to be tolerated by in silico analysis. Since supporting evidence is limited at this time, the clinical significance of this alteration remains unclear.